The following is an entry in ClinVar:

NM_004408.4(DNM1):c.985C>G (p.Leu329Val)

Gene: DNM1 (dynamin 1; plus strand). Cytogenetic location: 9q34.11.
Variant type: single nucleotide variant.
Coding change: c.985C>G on transcript NM_004408.4 (MANE Select); coding-DNA position 985, C replaced by G.
Protein change: p.Leu329Val; replaces leucine 329 with valine.
Molecular consequence: missense variant.
Genome position (GRCh38, 1-based): chr9:128,222,332, C>G. VCF-style: chr9-128222332-C-G. GRCh37 (hg19) VCF-style: chr9-130984611-C-G.
Other names: c.985C>G, p.Leu329Val (NM_001005336.3, NM_001288737.2, NM_001288738.2 and 2 more transcripts); short protein forms L329V.
Identifiers: ClinVar variation 802515 (VCV000802515.7), dbSNP rs868772525, ClinGen allele CA200349803.

ClinVar aggregate classification (germline): Uncertain significance. Review status: criteria provided, multiple submitters, no conflicts (2 of 4 stars). 4 submissions from 4 submitters: Uncertain significance (4). Last evaluated 2026-02-13.

Conditions:
Developmental and epileptic encephalopathy, 31A. Also called: Developmental and epileptic encephalopathy, 31; Epileptic encephalopathy, early infantile, 31. Identifiers: Orphanet 2382, MedGen C4225357, MONDO:0014598, OMIM 616346.

Submissions (4):

OLLIN Analises Genomicas, OLLIN
Classification: Uncertain significance for Developmental and epileptic encephalopathy, 31A. Last evaluated: 2026-02-13. Review status: criteria provided, single submitter. Criteria: ACMG Guidelines 2015 PMID 25741868. Collection method: clinical testing. Allele origin: germline. Observed: 1 variant allele.
Comment: PM1, PM2_P, PP2

Dasa
Classification: Uncertain significance. Last evaluated: 2024-11-06. Review status: criteria provided, single submitter. Criteria: DASA Assertion Criteria. Collection method: clinical testing. Allele origin: germline.
Comment: NM_004408.4(DNM1):c.985C>G (p.Leu329Val) is a missense variant that results in the substitution of leucine with valine. This variant is absent from population databases. The currently available literature and clinical evidence are not sufficient to establish a definitive association between this variant and the reported condition. Therefore, this variant is classified as a variant of uncertain significance.

Labcorp Genetics (formerly Invitae), Labcorp
Classification: Uncertain significance for Developmental and epileptic encephalopathy, 31A. Last evaluated: 2024-04-15. Review status: criteria provided, single submitter. Criteria: Invitae Variant Classification Sherloc (09022015). Collection method: clinical testing. Allele origin: germline.
Comment: This sequence change replaces leucine, which is neutral and non-polar, with valine, which is neutral and non-polar, at codon 329 of the DNM1 protein (p.Leu329Val). This variant is not present in population databases (gnomAD no frequency). This variant has not been reported in the literature in individuals affected with DNM1-related conditions. ClinVar contains an entry for this variant (Variation ID: 802515). Advanced modeling of protein sequence and biophysical properties (such as structural, functional, and spatial information, amino acid conservation, physicochemical variation, residue mobility, and thermodynamic stability) performed at Invitae indicates that this missense variant is not expected to disrupt DNM1 protein function with a negative predictive value of 80%. In summary, the available evidence is currently insufficient to determine the role of this variant in disease. Therefore, it has been classified as a Variant of Uncertain Significance.

Mendelics
Classification: Uncertain significance for Developmental and epileptic encephalopathy, 31A. Last evaluated: 2019-05-28. Review status: criteria provided, single submitter. Criteria: Mendelics Assertion Criteria 2017. Collection method: clinical testing. Allele origin: unknown.